The following is an entry in ClinVar:

NM_032833.5(PPP1R15B):c.733A>G (p.Ser245Gly)

Gene: PPP1R15B (protein phosphatase 1 regulatory subunit 15B; minus strand). Cytogenetic location: 1q32.1.
Variant type: single nucleotide variant.
Coding change: c.733A>G on transcript NM_032833.5 (MANE Select); coding-DNA position 733, A replaced by G.
Protein change: p.Ser245Gly; replaces serine 245 with glycine.
Molecular consequence: missense variant.
Genome position (GRCh38, 1-based): chr1:204,410,679, T>C on the plus strand (A>G on the coding strand, the complement: PPP1R15B is on the minus strand). VCF-style: chr1-204410679-T-C. GRCh37 (hg19) VCF-style: chr1-204379807-T-C.
Other names: short protein forms S245G.
Identifiers: ClinVar variation 1975144 (VCV001975144.6), dbSNP rs1008693335, ClinGen allele CA35772797.

ClinVar aggregate classification (germline): Uncertain significance. Review status: criteria provided, multiple submitters, no conflicts (2 of 4 stars). 2 submissions from 2 submitters: Uncertain significance (2). Last evaluated 2024-11-22.

Conditions:
Microcephaly, short stature, and impaired glucose metabolism 2 (MSSGM2). Identifiers: Orphanet 391408, MedGen C4225195, MONDO:0014785, OMIM 616817.

Submissions (2):

Laboratorio de Genetica e Diagnostico Molecular, Hospital Israelita Albert Einstein
Classification: Uncertain significance for Microcephaly, short stature, and impaired glucose metabolism 2. Last evaluated: 2024-11-22. Review status: criteria provided, single submitter. Criteria: ACMG Guidelines, 2015. Collection method: clinical testing. Allele origin: germline. Affected: yes.
Comment: ACMG classification criteria: PM2 supporting, BP4 supporting

Labcorp Genetics (formerly Invitae), Labcorp
Classification: Uncertain significance. Last evaluated: 2022-07-30. Review status: criteria provided, single submitter. Criteria: Invitae Variant Classification Sherloc (09022015). Collection method: clinical testing. Allele origin: germline.
Comment: This sequence change replaces serine, which is neutral and polar, with glycine, which is neutral and non-polar, at codon 245 of the PPP1R15B protein (p.Ser245Gly). This variant is not present in population databases (gnomAD no frequency). This variant has not been reported in the literature in individuals affected with PPP1R15B-related conditions. Algorithms developed to predict the effect of missense changes on protein structure and function output the following: SIFT: "Tolerated"; PolyPhen-2: "Benign"; Align-GVGD: "Class C0". The glycine amino acid residue is found in multiple mammalian species, which suggests that this missense change does not adversely affect protein function. In summary, the available evidence is currently insufficient to determine the role of this variant in disease. Therefore, it has been classified as a Variant of Uncertain Significance.